The following is an entry in ClinVar:

NM_001042750.2(STAG2):c.2279G>A (p.Arg760His)

Gene: STAG2 (STAG2 cohesin complex component; plus strand). Cytogenetic location: Xq25.
Variant type: single nucleotide variant.
Coding change: c.2279G>A on transcript NM_001042750.2 (MANE Select); coding-DNA position 2279, G replaced by A.
Protein change: p.Arg760His; replaces arginine 760 with histidine.
Molecular consequence: missense variant.
Genome position (GRCh38, 1-based): chrX:124,068,577, G>A. VCF-style: chrX-124068577-G-A. GRCh37 (hg19) VCF-style: chrX-123202427-G-A.
Other names: c.2279G>A, p.Arg760His (NM_001042749.2, NM_001042751.2, NM_001282418.2 and 13 more transcripts); short protein forms R760H.
Identifiers: ClinVar variation 1947411 (VCV001947411.5), dbSNP rs754256233, ClinGen allele CA10508991.

ClinVar aggregate classification (germline): Uncertain significance (1 of 4 stars; one submission).

Allele frequency attached by ClinVar (database versions not stated): ExAC 0.00001; gnomAD 0.00001; gnomAD exomes 0.00001; TOPMed 0.00002; 1000 Genomes Project 30x 0.00021; 1000 Genomes Project 0.00026.
gnomAD v4.1: 7 of 1,185,632 alleles (0.00059%); highest among the groups gnomAD compares: African/African-American, 0.0053%; no homozygotes.

Submission:

Labcorp Genetics (formerly Invitae), Labcorp
Classification: Uncertain significance. Last evaluated: 2025-10-26. Review status: criteria provided, single submitter. Criteria: Invitae Variant Classification Sherloc (09022015). Collection method: clinical testing. Allele origin: germline.
Comment: This sequence change replaces arginine, which is basic and polar, with histidine, which is basic and polar, at codon 760 of the STAG2 protein (p.Arg760His). The frequency data for this variant in the population databases is considered unreliable, as metrics indicate poor data quality at this position in the gnomAD database. This variant has not been reported in the literature in individuals affected with STAG2-related conditions. ClinVar contains an entry for this variant (Variation ID: 1947411). Invitae Evidence Modeling of protein sequence and biophysical properties (such as structural, functional, and spatial information, amino acid conservation, physicochemical variation, residue mobility, and thermodynamic stability) indicates that this missense variant is not expected to disrupt STAG2 protein function with a negative predictive value of 80%. In summary, the available evidence is currently insufficient to determine the role of this variant in disease. Therefore, it has been classified as a Variant of Uncertain Significance.